The following is an entry in ClinVar:

ClinVar aggregate classification (germline): Uncertain significance (1 of 4 stars; one submission).

Allele frequency attached by ClinVar (database versions not stated): gnomAD exomes below 0.00001 and 0.00001; gnomAD 0.00001; TOPMed 0.00001.
gnomAD v4.1: 17 of 1,612,284 alleles (0.0011%); highest among the groups gnomAD compares: South Asian, 0.0033%; no homozygotes.

Submission:

Labcorp Genetics (formerly Invitae), Labcorp
Classification: Uncertain significance. Last evaluated: 2019-08-30. Review status: criteria provided, single submitter. Criteria: Invitae Variant Classification Sherloc (09022015). Collection method: clinical testing. Allele origin: germline.
Comment: This variant is not present in population databases (ExAC no frequency). In summary, the available evidence is currently insufficient to determine the role of this variant in disease. Therefore, it has been classified as a Variant of Uncertain Significance. Algorithms developed to predict the effect of sequence changes on RNA splicing suggest that this variant may disrupt the consensus splice site, but this prediction has not been confirmed by published transcriptional studies. Algorithms developed to predict the effect of missense changes on protein structure and function are either unavailable or do not agree on the potential impact of this missense change (SIFT: "Deleterious"; PolyPhen-2: "Benign"; Align-GVGD: "Class C55"). This variant has not been reported in the literature in individuals with CACNA2D4-related conditions. This sequence change replaces alanine with valine at codon 331 of the CACNA2D4 protein (p.Ala331Val). The alanine residue is highly conserved and there is a small physicochemical difference between alanine and valine.

NM_172364.5(CACNA2D4):c.992C>T (p.Ala331Val)

Gene: CACNA2D4 (calcium voltage-gated channel auxiliary subunit alpha2delta 4; minus strand). Cytogenetic location: 12p13.33.
Variant type: single nucleotide variant.
Coding change: c.992C>T on transcript NM_172364.5 (MANE Select); coding-DNA position 992, C replaced by T.
Protein change: p.Ala331Val; replaces alanine 331 with valine.
Molecular consequence: missense variant.
Genome position (GRCh38, 1-based): chr12:1,886,224, G>A on the plus strand (C>T on the coding strand, the complement: CACNA2D4 is on the minus strand). VCF-style: chr12-1886224-G-A. GRCh37 (hg19) VCF-style: chr12-1995390-G-A.
Other names: short protein forms A331V.
Identifiers: ClinVar variation 960846 (VCV000960846.9), dbSNP rs1487120853, ClinGen allele CA383360347.
Genomic context (GRCh38, chr12:1,886,224, plus strand): 5'-ACCTGTGTATGATTTCTAGAGCAAGTGAGAGCTATTCTAGAACAGGAAGGCACATTTACC[G>A]CTATGATATTAATGAAGTCATTCTCCCCCAGGGTGTCCAAGATGGTGGTGATGGTGTGCT-3'
Protein context (NP_758952.4, residues 321-341): LGENDFINII[Ala331Val]YNDYVHYIEP